The following is an entry in ClinVar:

ClinVar aggregate classification (germline): Uncertain significance. Review status: reviewed by expert panel (3 of 4 stars). 2 submissions from 2 submitters: Uncertain significance (1). 1 of the submissions does not count toward it. Last evaluated 2022-12-12.

Conditions:
Mitochondrial disease. Also called: Mitochondrial disorder; Mitochondrial disorders. Identifiers: Orphanet 68380, MedGen C0751651, MeSH D028361, MONDO:0044970.
MELAS syndrome (MELAS). Also called: Juvenile myopathy, encephalopathy, lactic acidosis, stroke. Identifiers: Orphanet 550, MedGen C0162671, MONDO:0010789, OMIM 540000.

Submissions (2):

ClinGen Mitochondrial Disease Nuclear and Mitochondrial  Variant Curation Expert Panel, ClinGen
Classification: Uncertain significance for Mitochondrial disease. Last evaluated: 2022-12-12. Review status: reviewed by expert panel. Criteria: McCormick et al. (Hum Mutat. 2020). Collection method: curation. Allele origin: germline. Inheritance: Mitochondrial inheritance.
Comment: The m.4298G>A variant in MT-TI has been reported in two unrelated adults with primary mitochondrial disease. Chronic progressive external ophthalmoplegia (CPEO) and multiple sclerosis (MS) were seen in one individual (PMID: 9473477) and the second individual had rhabdomyolysis, myoglobinuria, and myalgia after fasting or exercise in addition to muscle weakness and unstable gait (PMID: 16120360). This variant was seen in varying degrees of heteroplasmy in these individuals in muscle, urine, and hair roots by PCR/RFLP, but was not observed in blood (PS4_supporting). Family member testing was performed in one case and the variant was undetectable in the proband’s mother’s blood, however the variant was also undetectable in the proband’s blood precluding confirmation of a de novo occurrence (PMID: 16120360). There are no large families reported in the medical literature to consider for evidence of segregation. The computational predictor MitoTIP suggests this variant is pathogenic, scoring in the 63.5 percentile; HmtVAR also predicts it to be pathogenic, scoring in the 75.0 percentile (PP3). The m.4298G>A variant is absent in the GenBank dataset, the Helix dataset, and gnomAD v3.1.2 (PM2_supporting). Single-fiber testing (PMID: 9473477) showed 78% heteroplasmy in COX-negative fibers and 27% in COX-positive fibers. Aminoacylation assays showed that the capacity for aminoacylation of tRNAs with this variant was virtually nil (<0.1%) and the observed aminoacylation deficiency was rescued by an engineered compensatory variant (PMID: 12655007). This and other results led the authors to propose that the functional defect caused by this mutation is due to fragility of the tRNA structure (PS3_supporting). In summary, this variant meets criteria to be classified as uncertain significance for primary mitochondrial disease inherited in a mitochondrial manner. We note that two experts on this panel felt likely pathogenic was a more appropriate classification given the functional evidence of impact however the majority agreed with uncertain significance. This classification was approved by the NICHD/NINDS U24 ClinGen Mitochondrial Disease Variant Curation Expert Panel on December 12, 2022. Mitochondrial DNA-specific ACMG/AMP criteria applied: PS4_supporting, PS3_supporting, PP3, PM2_supporting.

Wong Mito Lab, Molecular and Human Genetics, Baylor College of Medicine
Classification: Pathogenic for MELAS syndrome. Last evaluated: 2019-07-12. Review status: criteria provided, single submitter. Criteria: Modified ACMG Guidelines (Unpublished). Collection method: clinical testing. Allele origin: germline. Not counted in ClinVar's aggregate classification.
Comment: The NC_012920.1:m.4298G>A variant in MT-TI gene is interpreted to be a Pathogenic variant based on the modified ACMG guidelines (unpublished). This variant meets the following evidence codes reported in the guidelines: PS3, PS5, PM7

Literature cited by the submitters: PubMed 31965079 (cited by Wong Mito Lab, Molecular and Human Genetics, Baylor College of Medicine); PubMed 9473477 (cited by Wong Mito Lab, Molecular and Human Genetics, Baylor College of Medicine); PubMed 16120360 (cited by Wong Mito Lab, Molecular and Human Genetics, Baylor College of Medicine).

NC_012920.1(MT-TI):m.4298G>A

Gene: MT-TI (mitochondrially encoded tRNA isoleucine; plus strand).
Variant type: single nucleotide variant.
Genome position: chrM-4298-G-A.
Identifiers: ClinVar variation 689874 (VCV000689874.2), dbSNP rs1603219395, ClinGen allele CA913177648.